The following is an entry in ClinVar:

ClinVar aggregate classification (germline): Uncertain significance (1 of 4 stars; one submission).

gnomAD v4.1: 14 of 1,606,992 alleles (0.00087%); highest among the groups gnomAD compares: African/African-American, 0.004%; no homozygotes.

Submission:

Labcorp Genetics (formerly Invitae), Labcorp
Classification: Uncertain significance. Last evaluated: 2023-10-13. Review status: criteria provided, single submitter. Criteria: Invitae Variant Classification Sherloc (09022015). Collection method: clinical testing. Allele origin: germline.
Comment: This sequence change replaces glutamic acid, which is acidic and polar, with lysine, which is basic and polar, at codon 622 of the UNC45A protein (p.Glu622Lys). The frequency data for this variant in the population databases is considered unreliable, as metrics indicate poor data quality at this position in the gnomAD database. This variant has not been reported in the literature in individuals affected with UNC45A-related conditions. ClinVar contains an entry for this variant (Variation ID: 1357487). Advanced modeling of protein sequence and biophysical properties (such as structural, functional, and spatial information, amino acid conservation, physicochemical variation, residue mobility, and thermodynamic stability) has been performed at Invitae for this missense variant, however the output from this modeling did not meet the statistical confidence thresholds required to predict the impact of this variant on UNC45A protein function. In summary, the available evidence is currently insufficient to determine the role of this variant in disease. Therefore, it has been classified as a Variant of Uncertain Significance.

NM_018671.5(UNC45A):c.1864G>A (p.Glu622Lys)

Gene: UNC45A (unc-45 myosin chaperone A; plus strand). Cytogenetic location: 15q26.1.
Variant type: single nucleotide variant.
Coding change: c.1864G>A on transcript NM_018671.5 (MANE Select); coding-DNA position 1864, G replaced by A.
Protein change: p.Glu622Lys; replaces glutamic acid 622 with lysine.
Molecular consequence: missense variant.
Genome position (GRCh38, 1-based): chr15:90,948,780, G>A. VCF-style: chr15-90948780-G-A. GRCh37 (hg19) VCF-style: chr15-91492010-G-A.
Other names: c.1819G>A, p.Glu607Lys (NM_001039675.2, NM_001323621.2); c.1864G>A, p.Glu622Lys (NM_001323619.1); c.1429G>A, p.Glu477Lys (NM_001323620.2); short protein forms E607K, E622K, E477K.
Identifiers: ClinVar variation 1357487 (VCV001357487.4), dbSNP rs199835757, ClinGen allele CA274749991.